The following is an entry in ClinVar:

ClinVar aggregate classification (germline): Uncertain significance (1 of 4 stars; one submission).

Allele frequency attached by ClinVar (database versions not stated): ESP Exome Variant Server 0.00008; gnomAD exomes below 0.00001; ExAC 0.00001; gnomAD 0.00001; TOPMed 0.00002.
gnomAD v4.1: 4 of 1,613,882 alleles (0.00025%); highest among the groups gnomAD compares: African/African-American, 0.0053%; no homozygotes.

Submission:

Labcorp Genetics (formerly Invitae), Labcorp
Classification: Uncertain significance. Last evaluated: 2021-11-05. Review status: criteria provided, single submitter. Criteria: Invitae Variant Classification Sherloc (09022015). Collection method: clinical testing. Allele origin: germline.
Comment: This sequence change replaces asparagine, which is neutral and polar, with aspartic acid, which is acidic and polar, at codon 523 of the CKAP2L protein (p.Asn523Asp). This variant is present in population databases (rs372343930, gnomAD 0.008%). This variant has not been reported in the literature in individuals affected with CKAP2L-related conditions. Algorithms developed to predict the effect of missense changes on protein structure and function (SIFT, PolyPhen-2, Align-GVGD) all suggest that this variant is likely to be tolerated. In summary, the available evidence is currently insufficient to determine the role of this variant in disease. Therefore, it has been classified as a Variant of Uncertain Significance.

NM_152515.5(CKAP2L):c.1567A>G (p.Asn523Asp)

Gene: CKAP2L (cytoskeleton associated protein 2 like; minus strand). Cytogenetic location: 2q14.1.
Variant type: single nucleotide variant.
Coding change: c.1567A>G on transcript NM_152515.5 (MANE Select); coding-DNA position 1567, A replaced by G.
Protein change: p.Asn523Asp; replaces asparagine 523 with aspartic acid.
Molecular consequence: missense variant. On other transcripts: non-coding transcript variant (1).
Genome position (GRCh38, 1-based): chr2:112,752,302, T>C on the plus strand (A>G on the coding strand, the complement: CKAP2L is on the minus strand). VCF-style: chr2-112752302-T-C. GRCh37 (hg19) VCF-style: chr2-113509879-T-C.
Other names: c.1072A>G, p.Asn358Asp (NM_001304361.2); short protein forms N358D, N523D.
Identifiers: ClinVar variation 1383483 (VCV001383483.6), dbSNP rs372343930, ClinGen allele CA1836627.